The following is an entry in ClinVar:

NM_001370595.2(COA8):c.502A>G (p.Ile168Val)

Gene: COA8 (cytochrome c oxidase assembly factor 8; plus strand). Cytogenetic location: 14q32.33.
Variant type: single nucleotide variant.
Coding change: c.502A>G on transcript NM_001370595.2 (MANE Select); coding-DNA position 502, A replaced by G.
Protein change: p.Ile168Val; replaces isoleucine 168 with valine.
Molecular consequence: missense variant. On other transcripts: 3 prime UTR variant (1), non-coding transcript variant (2).
Genome position (GRCh38, 1-based): chr14:103,590,206, A>G. VCF-style: chr14-103590206-A-G. GRCh37 (hg19) VCF-style: chr14-104056543-A-G.
Other names: c.*56A>G (NM_001302653.2); c.541A>G, p.Ile181Val (NM_032374.4); short protein forms I168V, I181V.
Identifiers: ClinVar variation 2051113 (VCV002051113.1), dbSNP rs779574663, ClinGen allele CA7365645.

ClinVar aggregate classification (germline): Uncertain significance (1 of 4 stars; one submission).

Allele frequency attached by ClinVar (database versions not stated): gnomAD exomes 0.00002; TOPMed 0.00002; ExAC 0.00004.
gnomAD v4.1: 11 of 1,614,186 alleles (0.00068%); highest among the groups gnomAD compares: Admixed American, 0.017%; no homozygotes.

Submission:

Labcorp Genetics (formerly Invitae), Labcorp
Classification: Uncertain significance. Last evaluated: 2022-08-02. Review status: criteria provided, single submitter. Criteria: Invitae Variant Classification Sherloc (09022015). Collection method: clinical testing. Allele origin: germline.
Comment: This sequence change replaces isoleucine, which is neutral and non-polar, with valine, which is neutral and non-polar, at codon 181 of the APOPT1 protein (p.Ile181Val). This variant is present in population databases (rs779574663, gnomAD 0.03%). This variant has not been reported in the literature in individuals affected with APOPT1-related conditions. Algorithms developed to predict the effect of missense changes on protein structure and function (SIFT, PolyPhen-2, Align-GVGD) all suggest that this variant is likely to be tolerated. In summary, the available evidence is currently insufficient to determine the role of this variant in disease. Therefore, it has been classified as a Variant of Uncertain Significance.